The following is an entry in ClinVar:

NM_003859.3(DPM1):c.212C>T (p.Thr71Ile)

Gene: DPM1 (dolichyl-phosphate mannosyltransferase subunit 1, catalytic; minus strand). Cytogenetic location: 20q13.13.
Variant type: single nucleotide variant.
Coding change: c.212C>T on transcript NM_003859.3 (MANE Select); coding-DNA position 212, C replaced by T.
Protein change: p.Thr71Ile; replaces threonine 71 with isoleucine.
Molecular consequence: missense variant. On other transcripts: non-coding transcript variant (1).
Genome position (GRCh38, 1-based): chr20:50,955,235, G>A on the plus strand (C>T on the coding strand, the complement: DPM1 is on the minus strand). VCF-style: chr20-50955235-G-A. GRCh37 (hg19) VCF-style: chr20-49571772-G-A.
Other names: c.212C>T, p.Thr71Ile (NM_001317034.1, NM_001317035.1, NM_001317036.1); short protein forms T71I.
Identifiers: ClinVar variation 1512952 (VCV001512952.6), dbSNP rs750927313, ClinGen allele CA9909194.

ClinVar aggregate classification (germline): Uncertain significance (1 of 4 stars; one submission).

Conditions:
Congenital disorder of glycosylation type 1E (CDG1E). Also called: CDG Ie; CONGENITAL DISORDER OF GLYCOSYLATION, TYPE Ie. Identifiers: Orphanet 79322, MedGen C1837396, MONDO:0012123, OMIM 608799.

Allele frequency attached by ClinVar (database versions not stated): gnomAD exomes below 0.00001 and 0.00001; ExAC 0.00001.
gnomAD v4.1: 2 of 1,613,128 alleles (0.00012%); highest among the groups gnomAD compares: East Asian, 0.0022%; no homozygotes.

Submission:

Labcorp Genetics (formerly Invitae), Labcorp
Classification: Uncertain significance for Congenital disorder of glycosylation type 1E. Last evaluated: 2022-01-27. Review status: criteria provided, single submitter. Criteria: Invitae Variant Classification Sherloc (09022015). Collection method: clinical testing. Allele origin: germline.
Comment: This sequence change replaces threonine, which is neutral and polar, with isoleucine, which is neutral and non-polar, at codon 71 of the DPM1 protein (p.Thr71Ile). This variant is present in population databases (rs750927313, gnomAD 0.006%). This variant has not been reported in the literature in individuals affected with DPM1-related conditions. Algorithms developed to predict the effect of missense changes on protein structure and function are either unavailable or do not agree on the potential impact of this missense change (SIFT: "Deleterious"; PolyPhen-2: "Probably Damaging"; Align-GVGD: "Class C0"). In summary, the available evidence is currently insufficient to determine the role of this variant in disease. Therefore, it has been classified as a Variant of Uncertain Significance.